The following is an entry in ClinVar:

ClinVar aggregate classification (germline): Likely pathogenic (1 of 4 stars; one submission).

Conditions:
Lethal fetal cerebrorenogenitourinary agenesis/hypoplasia syndrome. Also called: Meckel syndrome 12. Identifiers: Orphanet 439897, MedGen C4015701, MONDO:0014552, OMIM 616258.

Submission:

MVZ Praenatalmedizin und Genetik Nuernberg
Classification: Likely pathogenic for Lethal fetal cerebrorenogenitourinary agenesis/hypoplasia syndrome. Last evaluated: 2023-05-26. Review status: criteria provided, single submitter. Criteria: ACMG Guidelines, 2015. Collection method: clinical testing. Allele origin: paternal. Affected: yes.
Comment: The variant exon 2 of KIF14 leads to a shift in the reading frame and, consequently, probably to premature degradation of the mRNA (nonsense-mediated decay, NMD) or to premature truncation of the protein (p.(Asn168Ilefs*14)). The variant has not been described in gnomAD, ClinVar or the literature. Loss-of-function is a typical pathomechanism of KIF14 alterations. In summary, based on the current data, we assess this to be a likely pathogenic alteration.

NM_014875.3(KIF14):c.503del (p.Asn168fs)

Gene: KIF14 (kinesin family member 14; minus strand). Cytogenetic location: 1q32.1.
Variant type: Deletion.
Coding change: c.503del on transcript NM_014875.3 (MANE Select); coding-DNA position 503, one base deleted (A; older notation c.503delA).
Protein change: p.Asn168fs; shifts the reading frame from asparagine 168.
Molecular consequence: frameshift variant. On other transcripts: 5 prime UTR variant (1).
Genome position (GRCh38, 1-based): chr1:200,618,221, T deleted on the plus strand (A on the coding strand, the reverse complement: KIF14 is on the minus strand); the first of 3 consecutive T bases (chr1:200,618,221-200,618,223); deleting any one gives the same sequence. VCF-style (leftmost placement, unchanged base first): chr1-200618220-AT-A. GRCh37 (hg19) VCF-style: chr1-200587348-AT-A.
Other names: c.-883del (NM_001305792.1); short protein forms N168fs.
Identifiers: ClinVar variation 4813490 (VCV004813490.1).